The following is an entry in ClinVar:

NM_022098.4(XPNPEP3):c.349C>G (p.Gln117Glu)

Gene: XPNPEP3 (X-prolyl aminopeptidase 3; plus strand). Cytogenetic location: 22q13.2.
Variant type: single nucleotide variant.
Coding change: c.349C>G on transcript NM_022098.4 (MANE Select); coding-DNA position 349, C replaced by G.
Protein change: p.Gln117Glu; replaces glutamine 117 with glutamic acid.
Molecular consequence: missense variant.
Genome position (GRCh38, 1-based): chr22:40,881,937, C>G. VCF-style: chr22-40881937-C-G. GRCh37 (hg19) VCF-style: chr22-41277941-C-G.
Other names: short protein forms Q117E.
Identifiers: ClinVar variation 1379170 (VCV001379170.6), dbSNP rs2146250280, ClinGen allele CA411676952.

ClinVar aggregate classification (germline): Uncertain significance (1 of 4 stars; one submission).

Conditions:
Nephronophthisis-like nephropathy 1 (NPHPL1). Identifiers: Orphanet 655, MedGen C3150419, MONDO:0013163, OMIM 613159.

Submission:

Labcorp Genetics (formerly Invitae), Labcorp
Classification: Uncertain significance for Nephronophthisis-like nephropathy 1. Last evaluated: 2021-11-10. Review status: criteria provided, single submitter. Criteria: Invitae Variant Classification Sherloc (09022015). Collection method: clinical testing. Allele origin: germline.
Comment: This variant has not been reported in the literature in individuals affected with XPNPEP3-related conditions. Algorithms developed to predict the effect of missense changes on protein structure and function (SIFT, PolyPhen-2, Align-GVGD) all suggest that this variant is likely to be disruptive. In summary, the available evidence is currently insufficient to determine the role of this variant in disease. Therefore, it has been classified as a Variant of Uncertain Significance. This variant is not present in population databases (gnomAD no frequency). This sequence change replaces glutamine, which is neutral and polar, with glutamic acid, which is acidic and polar, at codon 117 of the XPNPEP3 protein (p.Gln117Glu).